The following is an entry in ClinVar:

ClinVar aggregate classification (germline): Uncertain significance (1 of 4 stars; one submission).

Conditions:
Ataxia-telangiectasia syndrome (AT). Also called: Cerebello-oculocutaneous telangiectasia; ATAXIA-TELANGIECTASIA, COMPLEMENTATION GROUP A; ATAXIA-TELANGIECTASIA, FRESNO VARIANT; Ataxia-telangiectasia, complementation group D; AT, COMPLEMENTATION GROUP C; Immunodeficiency with ataxia telangiectasia. Identifiers: Orphanet 100, MedGen C0004135, MONDO:0008840, OMIM 208900.

Submission:

Labcorp Genetics (formerly Invitae), Labcorp
Classification: Uncertain significance for Ataxia-telangiectasia syndrome. Last evaluated: 2024-09-10. Review status: criteria provided, single submitter. Criteria: Invitae Variant Classification Sherloc (09022015). Collection method: clinical testing. Allele origin: germline.
Comment: This sequence change replaces threonine, which is neutral and polar, with serine, which is neutral and polar, at codon 1227 of the ATM protein (p.Thr1227Ser). This variant is not present in population databases (gnomAD no frequency). This variant has not been reported in the literature in individuals affected with ATM-related conditions. ClinVar contains an entry for this variant (Variation ID: 1717901). An algorithm developed to predict the effect of missense changes on protein structure and function outputs the following: PolyPhen-2: "Benign". The serine amino acid residue is found in multiple mammalian species, which suggests that this missense change does not adversely affect protein function. In summary, the available evidence is currently insufficient to determine the role of this variant in disease. Therefore, it has been classified as a Variant of Uncertain Significance.

NM_000051.4(ATM):c.3680C>G (p.Thr1227Ser)

Gene: ATM (ATM serine/threonine kinase; plus strand). Cytogenetic location: 11q22.3.
Variant type: single nucleotide variant.
Coding change: c.3680C>G on transcript NM_000051.4 (MANE Select); coding-DNA position 3680, C replaced by G.
Protein change: p.Thr1227Ser; replaces threonine 1227 with serine.
Molecular consequence: missense variant.
Genome position (GRCh38, 1-based): chr11:108,282,813, C>G. VCF-style: chr11-108282813-C-G. GRCh37 (hg19) VCF-style: chr11-108153540-C-G.
Other names: c.3680C>G, p.Thr1227Ser (NM_001351834.2); short protein forms T1227S.
Identifiers: ClinVar variation 1717901 (VCV001717901.5), dbSNP rs1229454563, ClinGen allele CA382523338.